The following is an entry in ClinVar:

ClinVar aggregate classification (germline): Uncertain significance (1 of 4 stars; one submission).

Conditions:
Cardiovascular phenotype. Identifiers: MedGen CN230736.

Submission:

Ambry Genetics
Classification: Uncertain significance for Cardiovascular phenotype. Last evaluated: 2026-08-03. Review status: criteria provided, single submitter. Criteria: Ambry Variant Classification Scheme 2023. Collection method: clinical testing. Allele origin: germline.
Comment: The p.A3435S variant (also known as c.10303G>T), located in coding exon 2 of the ZNF469 gene, results from a G to T substitution at nucleotide position 10303. The alanine at codon 3435 is replaced by serine, an amino acid with similar properties. This amino acid position is conserved. In addition, this alteration is predicted to be tolerated by in silico analysis. Based on the available evidence, the clinical significance of this variant remains unclear.

NM_001367624.2(ZNF469):c.10387G>T (p.Ala3463Ser)

Gene: ZNF469 (zinc finger protein 469; plus strand). Cytogenetic location: 16q24.2.
Variant type: single nucleotide variant.
Coding change: c.10387G>T on transcript NM_001367624.2 (MANE Select); coding-DNA position 10387, G replaced by T.
Protein change: p.Ala3463Ser; replaces alanine 3463 with serine.
Molecular consequence: missense variant.
Genome position (GRCh38, 1-based): chr16:88,437,857, G>T. VCF-style: chr16-88437857-G-T. GRCh37 (hg19) VCF-style: chr16-88504265-G-T.
Other names: NM_001127464.1:c.10303G>T; short protein forms A3463S.
Identifiers: ClinVar variation 5032243 (VCV005032243.1).
Genomic context (GRCh38, chr16:88,437,857, plus strand): 5'-GGGGGGCGGCAGCCCTTCGCGTTCCGCGGCGTGCGGAGGCCGGGAGCGCCGGGACAGAAG[G>T]CCCGGGCCCTCGAGGGCACACTGCCCAGCAAACGGCGCAGGGTGGCCATGCCCGGCAGTG-3'
Protein context (NP_001354553.1, residues 3453-3473): VRRPGAPGQK[Ala3463Ser]RALEGTLPSK